The following is an entry in ClinVar:

ClinVar aggregate classification (germline): Likely benign. Review status: criteria provided, multiple submitters, no conflicts (2 of 4 stars). 2 submissions from 2 submitters: Likely benign (2). Last evaluated 2026-09-08.

Conditions:
PLXNA2-related disorder. Also called: PLXNA2-related condition.

gnomAD v4.1: 2 of 1,613,220 alleles (0.00012%); highest among the groups gnomAD compares: African/African-American, 0.0013%; no homozygotes.

Submissions (2):

PreventionGenetics, part of Exact Sciences
Classification: Likely benign for PLXNA2-related condition. Last evaluated: 2026-09-08. Review status: criteria provided, single submitter. Criteria: ACMG Guidelines, 2015. Collection method: clinical testing. Allele origin: germline.
Comment: This variant is classified as likely benign based on ACMG/AMP sequence variant interpretation guidelines (Richards et al. 2015 PMID: 25741868, with internal and published modifications).

Labcorp Genetics (formerly Invitae), Labcorp
Classification: Likely benign. Last evaluated: 2025-03-13. Review status: criteria provided, single submitter. Criteria: Invitae Variant Classification Sherloc (09022015). Collection method: clinical testing. Allele origin: germline.

NM_025179.4(PLXNA2):c.951G>A (p.Lys317=)

Gene: PLXNA2 (plexin A2; minus strand). Cytogenetic location: 1q32.2.
Variant type: single nucleotide variant.
Coding change: c.951G>A on transcript NM_025179.4 (MANE Select); coding-DNA position 951, G replaced by A.
Protein change: p.Lys317=; no amino-acid change (lysine 317 retained).
Molecular consequence: synonymous variant.
Genome position (GRCh38, 1-based): chr1:208,216,972, C>T on the plus strand (G>A on the coding strand, the complement: PLXNA2 is on the minus strand). VCF-style: chr1-208216972-C-T. GRCh37 (hg19) VCF-style: chr1-208390317-C-T.
Other names: c.951G>A (NM_025179.3).
Identifiers: ClinVar variation 4704571 (VCV004704571.2).